The following is an entry in ClinVar:

NM_147127.5(EVC2):c.520-250T>G

Gene: EVC2 (EvC ciliary complex subunit 2; minus strand). Cytogenetic location: 4p16.2.
Variant type: single nucleotide variant.
Coding change: c.520-250T>G on transcript NM_147127.5 (MANE Select); 250 bases into the intron before coding-DNA position 520, T replaced by G.
Molecular consequence: intron variant.
Genome position (GRCh38, 1-based): chr4:5,689,593, A>C on the plus strand (T>G on the coding strand, the complement: EVC2 is on the minus strand). VCF-style: chr4-5689593-A-C. GRCh37 (hg19) VCF-style: chr4-5691320-A-C.
Other names: c.280-250T>G (NM_001166136.2).
Identifiers: ClinVar variation 667861 (VCV000667861.1), dbSNP rs10937662, ClinGen allele CA15341074.

ClinVar aggregate classification (germline): Benign (1 of 4 stars; one submission).

Allele frequency attached by ClinVar (database versions not stated): 1000 Genomes Project 30x 0.92286; 1000 Genomes Project 0.92652; TOPMed 0.93095; gnomAD 0.93114 and 0.93354.
gnomAD v4.1: 141,804 of 152,250 alleles (93%); highest among the groups gnomAD compares: African/African-American, 97%; 66,144 homozygotes.

Submission:

GeneDx
Classification: Benign. Last evaluated: 2018-06-14. Review status: criteria provided, single submitter. Criteria: GeneDx Variant Classification (06012015). Collection method: clinical testing. Allele origin: germline. Affected: yes.
Comment: This variant is considered likely benign or benign based on one or more of the following criteria: it is a conservative change, it occurs at a poorly conserved position in the protein, it is predicted to be benign by multiple in silico algorithms, and/or has population frequency not consistent with disease.